The following is an entry in ClinVar:

ClinVar aggregate classification (germline): Uncertain significance. Review status: criteria provided, multiple submitters, no conflicts (2 of 4 stars). 3 submissions from 3 submitters: Uncertain significance (2). 1 of the submissions does not count toward it. Last evaluated 2023-12-27.

Conditions:
CUBN-related disorder. Also called: CUBN-related condition.
Proteinuria, chronic benign. Identifiers: MedGen C5394384, MONDO:0030042, OMIM 618884.
Imerslund-Grasbeck syndrome type 1 (IGS1). Also called: Megaloblastic anemia 1, Finnish type; Imerslund-Gräsbeck syndrome 1; MEGALOBLASTIC ANEMIA, 1. Identifiers: MedGen C4016819, MONDO:0100156, OMIM 261100.
Imerslund-Grasbeck syndrome. Also called: Imerslund-Gräsbeck syndrome; ENTEROCYTE COBALAMIN MALABSORPTION; ENTEROCYTE INTRINSIC FACTOR RECEPTOR, DEFECT OF; PERNICIOUS ANEMIA, JUVENILE, DUE TO SELECTIVE INTESTINAL MALABSORPTION OF VITAMIN B12, WITH PROTEINURIA; Megaloblastic anemia due to inborn errors of metabolism. Identifiers: Orphanet 35858, MedGen C4551825, MONDO:0009853.

Allele frequency attached by ClinVar (database versions not stated): gnomAD 0.00002 and 0.00001; gnomAD exomes 0.00003 and 0.00002; ESP Exome Variant Server 0.00015; 1000 Genomes Project 30x 0.00031; TOPMed 0.00002; ExAC 0.00003; 1000 Genomes Project 0.00020.
gnomAD v4.1: 37 of 1,613,458 alleles (0.0023%); highest among the groups gnomAD compares: Middle Eastern, 0.017%; no homozygotes.

Submissions (3):

Fulgent Genetics
Classification: Uncertain significance for Imerslund-Grasbeck syndrome type 1; Proteinuria, chronic benign. Last evaluated: 2023-12-27. Review status: criteria provided, single submitter. Criteria: ACMG Guidelines, 2015. Collection method: clinical testing. Allele origin: germline.

Labcorp Genetics (formerly Invitae), Labcorp
Classification: Uncertain significance for Imerslund-Grasbeck syndrome. Last evaluated: 2022-10-24. Review status: criteria provided, single submitter. Criteria: Invitae Variant Classification Sherloc (09022015). Collection method: clinical testing. Allele origin: germline.
Comment: This sequence change replaces glutamine, which is neutral and polar, with arginine, which is basic and polar, at codon 341 of the CUBN protein (p.Gln341Arg). This variant is present in population databases (rs149517557, gnomAD 0.02%). This variant has not been reported in the literature in individuals affected with CUBN-related conditions. ClinVar contains an entry for this variant (Variation ID: 1034822). Advanced modeling of protein sequence and biophysical properties (such as structural, functional, and spatial information, amino acid conservation, physicochemical variation, residue mobility, and thermodynamic stability) performed at Invitae indicates that this missense variant is not expected to disrupt CUBN protein function. In summary, the available evidence is currently insufficient to determine the role of this variant in disease. Therefore, it has been classified as a Variant of Uncertain Significance.

PreventionGenetics, part of Exact Sciences
Classification: Uncertain significance for CUBN-related condition. Last evaluated: 2024-04-06. Review status: no assertion criteria provided. Collection method: clinical testing. Allele origin: germline. Not counted in ClinVar's aggregate classification.
Comment: The CUBN c.1022A>G variant is predicted to result in the amino acid substitution p.Gln341Arg. To our knowledge, this variant has not been reported in the literature. This variant is reported in 0.017% of alleles in individuals of Latino descent in gnomAD. At this time, the clinical significance of this variant is uncertain due to the absence of conclusive functional and genetic evidence.

NM_001081.4(CUBN):c.1022A>G (p.Gln341Arg)

Gene: CUBN (cubilin; minus strand). Cytogenetic location: 10p13.
Variant type: single nucleotide variant.
Coding change: c.1022A>G on transcript NM_001081.4 (MANE Select); coding-DNA position 1022, A replaced by G.
Protein change: p.Gln341Arg; replaces glutamine 341 with arginine.
Molecular consequence: missense variant.
Genome position (GRCh38, 1-based): chr10:17,109,729, T>C on the plus strand (A>G on the coding strand, the complement: CUBN is on the minus strand). VCF-style: chr10-17109729-T-C. GRCh37 (hg19) VCF-style: chr10-17151728-T-C.
Other names: c.1022A>G (NM_001081.3); short protein forms Q341R.
Identifiers: ClinVar variation 1034822 (VCV001034822.9), dbSNP rs149517557, ClinGen allele CA5425423.